The following is an entry in ClinVar:

NM_020975.6(RET):c.884C>T (p.Thr295Met)

Gene: RET (ret proto-oncogene; plus strand). Cytogenetic location: 10q11.21.
Variant type: single nucleotide variant.
Coding change: c.884C>T on transcript NM_020975.6 (MANE Select); coding-DNA position 884, C replaced by T.
Protein change: p.Thr295Met; replaces threonine 295 with methionine.
Molecular consequence: missense variant.
Genome position (GRCh38, 1-based): chr10:43,106,392, C>T. VCF-style: chr10-43106392-C-T. GRCh37 (hg19) VCF-style: chr10-43601840-C-T.
Other names: c.884C>T, p.Thr295Met (NM_001406765.1, NM_020629.2, NM_020630.7 and 6 more transcripts); c.596C>T, p.Thr199Met (NM_001406766.1, NM_001406767.1, NM_001406770.1); c.755C>T, p.Thr252Met (NM_001406768.1, NM_001406761.1, NM_001406762.1 and 1 more transcripts); c.122C>T, p.Thr41Met (NM_001355216.2); short protein forms T295M, T41M, T252M, T199M.
Identifiers: ClinVar variation 549769 (VCV000549769.18), dbSNP rs758159521, ClinGen allele CA045369.
Genomic context (GRCh38, chr10:43,106,392, plus strand): 5'-GGCCCATCTCGCCTGCACTGACCAACGCCCTCTGCATCCTGCAGGACACCGTGGTGGCCA[C>T]GCTGCGTGTCTTCGATGCAGACGTGGTACCTGCATCAGGGGAGCTGGTGAGGCGGTACAC-3'
Protein context (NP_066124.1, residues 285-305): FKRKEDTVVA[Thr295Met]LRVFDADVVP

ClinVar aggregate classification (germline): Conflicting classifications of pathogenicity. Review status: criteria provided, conflicting classifications (1 of 4 stars). 6 submissions from 6 submitters: Uncertain significance (3); Likely benign (3). Last evaluated 2025-11-25.

Conditions:
RET-related disorder. Also called: RET-related disorders; RET-related condition; RET-related disease.
Hereditary cancer-predisposing syndrome. Also called: Hereditary Cancer Syndrome; Hereditary neoplastic syndrome; Tumor predisposition; Neoplastic Syndromes, Hereditary. Identifiers: Orphanet 140162, MedGen C0027672, MeSH D009386, MONDO:0015356.
Multiple endocrine neoplasia, type 2 (MEN2). Identifiers: Orphanet 653, MedGen C4048306, MONDO:0019003. Disease mechanism: gain of function.
Multiple endocrine neoplasia type 2A. Also called: MULTIPLE ENDOCRINE NEOPLASIA, TYPE IIA; PTC SYNDROME; SIPPLE SYNDROME; MEN 2A; MEN-2A syndrome; Pheochromocytoma and amyloid producing medullary thyroid carcinoma. Identifiers: Orphanet 247698, Orphanet 653, MedGen C0025268, MeSH D018813, MONDO:0008234, OMIM 171400.

Allele frequency attached by ClinVar (database versions not stated): ExAC 0.00001; gnomAD exomes 0.00001; TOPMed 0.00002.
gnomAD v4.1: 24 of 1,611,632 alleles (0.0015%); highest among the groups gnomAD compares: East Asian, 0.042%; no homozygotes.

Submissions (6):

Labcorp Genetics (formerly Invitae), Labcorp
Classification: Uncertain significance for Multiple endocrine neoplasia, type 2. Last evaluated: 2025-11-25. Review status: criteria provided, single submitter. Criteria: Invitae Variant Classification Sherloc (09022015). Collection method: clinical testing. Allele origin: germline.
Comment: This sequence change replaces threonine, which is neutral and polar, with methionine, which is neutral and non-polar, at codon 295 of the RET protein (p.Thr295Met). The frequency data for this variant in the population databases is considered unreliable, as metrics indicate poor data quality at this position in the gnomAD database. This missense change has been observed in individual(s) with medullary thyroid cancer and pheochromocytoma (PMID: 28946813, 30877234). ClinVar contains an entry for this variant (Variation ID: 549769). An algorithm developed to predict the effect of missense changes on protein structure and function (PolyPhen-2) suggests that this variant is likely to be tolerated. In summary, the available evidence is currently insufficient to determine the role of this variant in disease. Therefore, it has been classified as a Variant of Uncertain Significance.

Color Diagnostics, LLC DBA Color Health
Classification: Likely benign for Multiple endocrine neoplasia, type 2. Last evaluated: 2025-09-05. Review status: criteria provided, single submitter. Criteria: ACMG Guidelines, 2015. Collection method: clinical testing. Allele origin: germline.

Ambry Genetics
Classification: Likely benign for Hereditary cancer-predisposing syndrome. Last evaluated: 2024-10-09. Review status: criteria provided, single submitter. Criteria: Ambry Variant Classification Scheme 2023. Collection method: clinical testing. Allele origin: germline.

Myriad Genetics, Inc.
Classification: Likely benign for Multiple endocrine neoplasia type 2A. Last evaluated: 2024-09-04. Review status: criteria provided, single submitter. Criteria: Myriad Autosomal Dominant, Autosomal Recessive and X-Linked Classification Criteria (2023). Collection method: clinical testing. Allele origin: unknown.
Comment: This variant is considered likely benign. This variant has been observed at a population frequency that is significantly greater than expected given the associated disease prevalence and penetrance.

PreventionGenetics, part of Exact Sciences
Classification: Uncertain significance for RET-related condition. Last evaluated: 2023-10-11. Review status: criteria provided, single submitter. Criteria: ACMG Guidelines, 2015. Collection method: clinical testing. Allele origin: germline.
Comment: The RET c.884C>T variant is predicted to result in the amino acid substitution p.Thr295Met. This variant has been reported in an individual with medullary thyroid cancer and an individual with phaeochromocytoma (Table 2, Lebeault et al. 2017. PubMed ID: 28946813; Table S3, Ben Aim et al. 2019. PubMed ID: 30877234). This variant is reported in 2 of ~247,000 alleles in gnomAD. It is interpreted as uncertain significance in ClinVar. At this time, the clinical significance of this variant is uncertain due to the absence of conclusive functional and genetic evidence.

GeneDx
Classification: Uncertain significance. Last evaluated: 2021-05-07. Review status: criteria provided, single submitter. Criteria: GeneDx Variant Classification Process June 2021. Collection method: clinical testing. Allele origin: germline. Affected: yes.
Comment: Not observed at a significant frequency in large population cohorts (Lek et al., 2016); Observed in individuals with a personal or family history including medullary thyroid carcinoma and phenochromocytoma (Lebeault 2017, Ben Aim 2019); In silico analysis supports that this missense variant does not alter protein structure/function; This variant is associated with the following publications: (PMID: 30877234, 28946813)

Literature cited by the submitters: PubMed 28946813 (cited by Labcorp Genetics (formerly Invitae), Labcorp); PubMed 30877234 (cited by Labcorp Genetics (formerly Invitae), Labcorp).